The following is an entry in ClinVar:

NM_004655.4(AXIN2):c.243C>G (p.Ser81=)

Gene: AXIN2 (axin 2; minus strand). Cytogenetic location: 17q24.1.
Variant type: single nucleotide variant.
Coding change: c.243C>G on transcript NM_004655.4 (MANE Select); coding-DNA position 243, C replaced by G.
Protein change: p.Ser81=; no amino-acid change (serine 81 retained).
Molecular consequence: synonymous variant.
Genome position (GRCh38, 1-based): chr17:65,558,378, G>C on the plus strand (C>G on the coding strand, the complement: AXIN2 is on the minus strand). VCF-style: chr17-65558378-G-C. GRCh37 (hg19) VCF-style: chr17-63554496-G-C.
Other names: c.243C>G (LRG_296t1); c.243C>G, p.Ser81= (NM_001363813.1).
Identifiers: ClinVar variation 507840 (VCV000507840.12), dbSNP rs573383663, ClinGen allele CA501691413.

ClinVar aggregate classification (germline): Benign/Likely benign. Review status: criteria provided, multiple submitters, no conflicts (2 of 4 stars). 4 submissions from 4 submitters: Benign (1); Likely benign (3). Last evaluated 2024-06-26.

Conditions:
Oligodontia-cancer predisposition syndrome. Also called: TOOTH AGENESIS-COLORECTAL CANCER SYNDROME. Identifiers: Orphanet 300576, MedGen C1837750, MONDO:0012075, OMIM 608615. Disease mechanism: loss of function.
Hereditary cancer-predisposing syndrome. Also called: Hereditary neoplastic syndrome; Hereditary Cancer Syndrome; Neoplastic Syndromes, Hereditary; Tumor predisposition. Identifiers: Orphanet 140162, MedGen C0027672, MeSH D009386, MONDO:0015356.

Submissions (4):

Myriad Genetics, Inc.
Classification: Benign for Oligodontia-cancer predisposition syndrome. Last evaluated: 2024-06-26. Review status: criteria provided, single submitter. Criteria: Myriad Autosomal Dominant, Autosomal Recessive and X-Linked Classification Criteria (2023). Collection method: clinical testing. Allele origin: unknown.
Comment: This variant is considered benign. This variant is a silent/synonymous amino acid change and it is not expected to impact splicing.

Labcorp Genetics (formerly Invitae), Labcorp
Classification: Likely benign for Oligodontia-cancer predisposition syndrome. Last evaluated: 2024-01-16. Review status: criteria provided, single submitter. Criteria: Invitae Variant Classification Sherloc (09022015). Collection method: clinical testing. Allele origin: germline.

Ambry Genetics
Classification: Likely benign for Hereditary cancer-predisposing syndrome. Last evaluated: 2021-06-17. Review status: criteria provided, single submitter. Criteria: Ambry Variant Classification Scheme 2023. Collection method: clinical testing. Allele origin: germline.

GeneDx
Classification: Likely benign. Last evaluated: 2017-03-03. Review status: criteria provided, single submitter. Criteria: GeneDx Variant Classification (06012015). Collection method: clinical testing. Allele origin: germline. Affected: yes.
Comment: This variant is considered likely benign or benign based on one or more of the following criteria: it is a conservative change, it occurs at a poorly conserved position in the protein, it is predicted to be benign by multiple in silico algorithms, and/or has population frequency not consistent with disease.